The following is an entry in ClinVar:

NM_199242.3(UNC13D):c.3254C>T (p.Ala1085Val)

Gene: UNC13D (unc-13 homolog D; minus strand). Cytogenetic location: 17q25.1.
Variant type: single nucleotide variant.
Coding change: c.3254C>T on transcript NM_199242.3 (MANE Select); coding-DNA position 3254, C replaced by T.
Protein change: p.Ala1085Val; replaces alanine 1085 with valine.
Molecular consequence: missense variant.
Genome position (GRCh38, 1-based): chr17:75,827,984, G>A on the plus strand (C>T on the coding strand, the complement: UNC13D is on the minus strand). VCF-style: chr17-75827984-G-A. GRCh37 (hg19) VCF-style: chr17-73824065-G-A.
Other names: short protein forms A1085V.
Identifiers: ClinVar variation 658671 (VCV000658671.9), dbSNP rs778060284, ClinGen allele CA8772206.

ClinVar aggregate classification (germline): Uncertain significance. Review status: criteria provided, multiple submitters, no conflicts (2 of 4 stars). 2 submissions from 2 submitters: Uncertain significance (2). Last evaluated 2024-12-16.

Conditions:
Inborn genetic diseases. Identifiers: MedGen C0950123, MeSH D030342.
Familial hemophagocytic lymphohistiocytosis 3 (FHL3). Also called: UNC13D-Related Familial Hemophagocytic Lymphohistiocytosis (UNC13D-fHLH). Identifiers: Orphanet 540, MedGen C1837174, MONDO:0012146, OMIM 608898.

Allele frequency attached by ClinVar (database versions not stated): TOPMed 0.00003.
gnomAD v4.1: 11 of 1,605,144 alleles (0.00069%); highest among the groups gnomAD compares: African/African-American, 0.0053%; no homozygotes.

Submissions (2):

Labcorp Genetics (formerly Invitae), Labcorp
Classification: Uncertain significance for Familial hemophagocytic lymphohistiocytosis 3. Last evaluated: 2024-12-16. Review status: criteria provided, single submitter. Criteria: Invitae Variant Classification Sherloc (09022015). Collection method: clinical testing. Allele origin: germline.
Comment: This sequence change replaces alanine, which is neutral and non-polar, with valine, which is neutral and non-polar, at codon 1085 of the UNC13D protein (p.Ala1085Val). The frequency data for this variant in the population databases is considered unreliable, as metrics indicate poor data quality at this position in the gnomAD database. This variant has not been reported in the literature in individuals affected with UNC13D-related conditions. ClinVar contains an entry for this variant (Variation ID: 658671). An algorithm developed to predict the effect of missense changes on protein structure and function (PolyPhen-2) suggests that this variant is likely to be tolerated. In summary, the available evidence is currently insufficient to determine the role of this variant in disease. Therefore, it has been classified as a Variant of Uncertain Significance.

Ambry Genetics
Classification: Uncertain significance for Inborn genetic diseases. Last evaluated: 2021-12-08. Review status: criteria provided, single submitter. Criteria: Ambry Variant Classification Scheme 2023. Collection method: clinical testing. Allele origin: germline.